The following is an entry in ClinVar:

NM_002439.5(MSH3):c.1398C>G (p.Ser466Arg)

Gene: MSH3 (mutS homolog 3; plus strand). Cytogenetic location: 5q14.1.
Variant type: single nucleotide variant.
Coding change: c.1398C>G on transcript NM_002439.5 (MANE Select); coding-DNA position 1398, C replaced by G.
Protein change: p.Ser466Arg; replaces serine 466 with arginine.
Molecular consequence: missense variant.
Genome position (GRCh38, 1-based): chr5:80,725,510, C>G. VCF-style: chr5-80725510-C-G. GRCh37 (hg19) VCF-style: chr5-80021329-C-G.
Other names: c.1398C>G (NM_002439.3); short protein forms S466R.
Identifiers: ClinVar variation 2676767 (VCV002676767.2), dbSNP rs1580587448, ClinGen allele CA360273510.

ClinVar aggregate classification (germline): Uncertain significance. Review status: criteria provided, multiple submitters, no conflicts (2 of 4 stars). 2 submissions from 2 submitters: Uncertain significance (2). Last evaluated 2025-10-28.

Conditions:
Hereditary cancer-predisposing syndrome. Also called: Neoplastic Syndromes, Hereditary; Tumor predisposition; Hereditary Cancer Syndrome; Hereditary neoplastic syndrome. Identifiers: Orphanet 140162, MedGen C0027672, MeSH D009386, MONDO:0015356.
Endometrial carcinoma. Also called: Endometrial carcinoma, somatic. Identifiers: MedGen C0476089, MONDO:0002447, OMIM 608089, HP:0012114.

Submissions (2):

Ambry Genetics
Classification: Uncertain significance for Hereditary cancer-predisposing syndrome. Last evaluated: 2025-10-28. Review status: criteria provided, single submitter. Criteria: Ambry Variant Classification Scheme 2023. Collection method: clinical testing. Allele origin: germline.
Comment: The p.S466R variant (also known as c.1398C>G), located in coding exon 9 of the MSH3 gene, results from a C to G substitution at nucleotide position 1398. The serine at codon 466 is replaced by arginine, an amino acid with dissimilar properties. This amino acid position is conserved. In addition, the in silico prediction for this alteration is inconclusive. Based on the available evidence, the clinical significance of this variant remains unclear.

Baylor Genetics
Classification: Uncertain significance for Endometrial carcinoma. Last evaluated: 2023-06-04. Review status: criteria provided, single submitter. Criteria: ACMG Guidelines, 2015. Collection method: clinical testing. Allele origin: unknown.